The following is an entry in ClinVar:

ClinVar aggregate classification (germline): Benign/Likely benign. Review status: criteria provided, multiple submitters, no conflicts (2 of 4 stars). 5 submissions from 4 submitters: Benign (2); Likely benign (2). 1 of the submissions does not count toward it. Last evaluated 2026-01-22.

Conditions:
Koolen-de Vries syndrome (KDVS). Identifiers: Orphanet 96169, MedGen C1864871, MONDO:0012496, OMIM 610443.

Submissions (5):

Labcorp Genetics (formerly Invitae), Labcorp
Classification: Benign for Koolen-de Vries syndrome. Last evaluated: 2026-01-22. Review status: criteria provided, single submitter. Criteria: Invitae Variant Classification Sherloc (09022015). Collection method: clinical testing. Allele origin: germline.

CeGaT Center for Human Genetics Tuebingen
Classification: Benign. Last evaluated: 2025-05-01. Review status: criteria provided, single submitter. Criteria: CeGaT Center For Human Genetics Tuebingen Variant Classification Criteria Version 2. Collection method: clinical testing. Allele origin: germline. Affected: yes. Observed: 2 variant alleles.
Comment: KANSL1: BS1, BS2

Mendelics
Classification: Likely benign for Koolen-de Vries syndrome. Last evaluated: 2019-05-28. Review status: criteria provided, single submitter. Criteria: Mendelics Assertion Criteria 2017. Collection method: clinical testing. Allele origin: unknown.

GeneDx
Classification: Likely benign. Last evaluated: 2015-03-03. Review status: criteria provided, single submitter. Criteria: GeneDx Variant Classification Process June 2021. Collection method: clinical testing. Allele origin: germline. Affected: yes.

GeneDx
Classification: Benign. Last evaluated: 2016-08-22. Review status: flagged submission. Criteria: GeneDx Variant Classification (06012015). Collection method: clinical testing. Allele origin: germline. Affected: yes. Not counted in ClinVar's aggregate classification.
Comment: This variant is considered likely benign or benign based on one or more of the following criteria: it is a conservative change, it occurs at a poorly conserved position in the protein, it is predicted to be benign by multiple in silico algorithms, and/or has population frequency not consistent with disease.
ClinVar note: Reason: This record appears to be redundant with a more recent record from the same submitter.
ClinVar note: Notes: SCV000241332 appears to be redundant with SCV001788787.

NM_015443.4(KANSL1):c.2710GAG[1] (p.Glu905del)

Gene: KANSL1 (KAT8 regulatory NSL complex subunit 1). Cytogenetic location: 17q21.31.
Variant type: Microsatellite.
Coding change: c.2710GAG[1] on transcript NM_015443.4 (MANE Select); one copy of the 3-base unit GAG starting at c.2710.
Protein change: p.Glu905del; deletes glutamic acid 905.
Molecular consequence: inframe deletion.
Genome position: GRCh38 VCF-style: chr17-46033411-TCTC-T. GRCh37 (hg19) VCF-style: chr17-44110777-TCTC-T.
Other names: c.2713_2715del (NM_001193466.1); c.2707GAG[1], p.Glu904del (NM_001193465.2); c.2710GAG[1], p.Glu905del (NM_001193466.2, NM_001379198.1); c.2710_2712delGAG (NM_001193466.1); short protein forms E905del, E904del.
Identifiers: ClinVar variation 205747 (VCV000205747.39), dbSNP rs551968687, ClinGen allele CA315123.